The following is an entry in ClinVar:

NM_000441.2(SLC26A4):c.1177A>G (p.Ile393Val)

Gene: SLC26A4 (solute carrier family 26 member 4; plus strand). Cytogenetic location: 7q22.3.
Variant type: single nucleotide variant.
Coding change: c.1177A>G on transcript NM_000441.2 (MANE Select); coding-DNA position 1177, A replaced by G.
Protein change: p.Ile393Val; replaces isoleucine 393 with valine.
Molecular consequence: missense variant.
Genome position (GRCh38, 1-based): chr7:107,690,151, A>G. VCF-style: chr7-107690151-A-G. GRCh37 (hg19) VCF-style: chr7-107330596-A-G.
Other names: short protein forms I393V.
Identifiers: ClinVar variation 4070590 (VCV004070590.1).

ClinVar aggregate classification (germline): Uncertain significance (1 of 4 stars; one submission).

gnomAD v4.1: 5 of 1,612,374 alleles (0.00031%); highest among the groups gnomAD compares: African/African-American, 0.004%; no homozygotes.

Submission:

GeneDx
Classification: Uncertain significance. Last evaluated: 2025-01-16. Review status: criteria provided, single submitter. Criteria: GeneDx Variant Classification Process June 2021. Collection method: clinical testing. Allele origin: germline. Affected: yes.
Comment: Not observed at significant frequency in large population cohorts (gnomAD); In silico analysis indicates that this missense variant does not alter protein structure/function; Has not been previously published as pathogenic or benign to our knowledge